The following is an entry in ClinVar:

NM_001363711.2(DUOX2):c.1654C>T (p.Pro552Ser)

Gene: DUOX2 (dual oxidase 2; minus strand). Cytogenetic location: 15q21.1.
Variant type: single nucleotide variant.
Coding change: c.1654C>T on transcript NM_001363711.2 (MANE Select); coding-DNA position 1654, C replaced by T.
Protein change: p.Pro552Ser; replaces proline 552 with serine.
Molecular consequence: missense variant.
Genome position (GRCh38, 1-based): chr15:45,107,384, G>A on the plus strand (C>T on the coding strand, the complement: DUOX2 is on the minus strand). VCF-style: chr15-45107384-G-A. GRCh37 (hg19) VCF-style: chr15-45399582-G-A.
Other names: c.1654C>T, p.Pro552Ser (NM_014080.5); short protein forms P552S.
Identifiers: ClinVar variation 3001186 (VCV003001186.3), dbSNP rs1894247393, ClinGen allele CA392274560.
Genomic context (GRCh38, chr15:45,107,384, plus strand): 5'-GTGTTCTCCCACGGCACTCACCTTTATGCCAGACAAAGACATTGGGCTGCAGGGCACTGG[G>A]GTCAATGTTGATAACAGCGACCAGCACGTCCCGCAGGGTGGTATTTCGGATGTCTTCAAT-3'
Protein context (NP_001350640.1, residues 542-562): DVLVAVINID[Pro552Ser]SALQPNVFVW

ClinVar aggregate classification (germline): Uncertain significance (1 of 4 stars; one submission).

Submission:

Labcorp Genetics (formerly Invitae), Labcorp
Classification: Uncertain significance. Last evaluated: 2023-10-15. Review status: criteria provided, single submitter. Criteria: Invitae Variant Classification Sherloc (09022015). Collection method: clinical testing. Allele origin: germline.
Comment: This sequence change replaces proline, which is neutral and non-polar, with serine, which is neutral and polar, at codon 552 of the DUOX2 protein (p.Pro552Ser). This variant is not present in population databases (gnomAD no frequency). This variant has not been reported in the literature in individuals affected with DUOX2-related conditions. Advanced modeling of protein sequence and biophysical properties (such as structural, functional, and spatial information, amino acid conservation, physicochemical variation, residue mobility, and thermodynamic stability) performed at Invitae indicates that this missense variant is not expected to disrupt DUOX2 protein function. In summary, the available evidence is currently insufficient to determine the role of this variant in disease. Therefore, it has been classified as a Variant of Uncertain Significance.